The following is an entry in ClinVar:

NC_000012.12:g.32896640_32896911del

Genes: PKP2 (plakophilin 2; minus strand), LOC130007664 (ATAC-STARR-seq lymphoblastoid silent region 4340; plus strand). Cytogenetic location: 12p11.21.
Variant type: Deletion.
Genome position: GRCh38: chr12:32,896,640-32,896,911. GRCh37 (hg19): chr12:33,049,574-33,049,845.
Identifiers: ClinVar variation 2710061 (VCV002710061.3), dbSNP rs2541384779, ClinGen allele CA2697559160.

ClinVar aggregate classification (germline): Uncertain significance (1 of 4 stars; one submission).

Conditions:
Arrhythmogenic right ventricular dysplasia 9 (ARVD9). Also called: Arrhythmogenic Right Ventricular Dysplasia/Cardiomyopathy 9; ARRHYTHMOGENIC RIGHT VENTRICULAR DYSPLASIA, FAMILIAL, 9. Identifiers: MedGen C1836906, MONDO:0012180, OMIM 609040.

Submission:

Labcorp Genetics (formerly Invitae), Labcorp
Classification: Uncertain significance for Arrhythmogenic right ventricular dysplasia 9. Last evaluated: 2024-01-30. Review status: criteria provided, single submitter. Criteria: Invitae Variant Classification Sherloc (09022015). Collection method: clinical testing. Allele origin: germline.
Comment: This sequence change affects the initiator methionine of the PKP2 mRNA. The next in-frame methionine is located at codon 110. This variant is not present in population databases (gnomAD no frequency). This variant has not been reported in the literature in individuals affected with PKP2-related conditions. Experimental studies and prediction algorithms are not available or were not evaluated, and the functional significance of this variant is currently unknown. In summary, the available evidence is currently insufficient to determine the role of this variant in disease. Therefore, it has been classified as a Variant of Uncertain Significance.